The following is an entry in ClinVar:

NM_002528.7(NTHL1):c.904C>G (p.Gln302Glu)

Gene: NTHL1 (nth like DNA glycosylase 1; minus strand). Cytogenetic location: 16p13.3.
Variant type: single nucleotide variant.
Coding change: c.904C>G on transcript NM_002528.7 (MANE Select); coding-DNA position 904, C replaced by G.
Protein change: p.Gln302Glu; replaces glutamine 302 with glutamic acid.
Molecular consequence: missense variant.
Genome position (GRCh38, 1-based): chr16:2,039,935, G>C on the plus strand (C>G on the coding strand, the complement: NTHL1 is on the minus strand). VCF-style: chr16-2039935-G-C. GRCh37 (hg19) VCF-style: chr16-2089936-G-C.
Other names: c.733C>G, p.Gln245Glu (NM_001318193.2); c.574C>G, p.Gln192Glu (NM_001318194.2); c.928C>G (NM_002528.5); short protein forms Q302E, Q192E, Q245E.
Identifiers: ClinVar variation 1965662 (VCV001965662.6), dbSNP rs748270262, ClinGen allele CA394286968.

ClinVar aggregate classification (germline): Conflicting classifications of pathogenicity. Review status: criteria provided, conflicting classifications (1 of 4 stars). 2 submissions from 2 submitters: Uncertain significance (1); Likely benign (1). Last evaluated 2025-09-24.

Conditions:
Hereditary cancer-predisposing syndrome. Also called: Tumor predisposition; Hereditary Cancer Syndrome; Hereditary neoplastic syndrome; Neoplastic Syndromes, Hereditary. Identifiers: Orphanet 140162, MedGen C0027672, MeSH D009386, MONDO:0015356.

Submissions (2):

Ambry Genetics
Classification: Likely benign for Hereditary cancer-predisposing syndrome. Last evaluated: 2025-09-24. Review status: criteria provided, single submitter. Criteria: Ambry Variant Classification Scheme 2023. Collection method: clinical testing. Allele origin: germline.

Labcorp Genetics (formerly Invitae), Labcorp
Classification: Uncertain significance. Last evaluated: 2022-06-02. Review status: criteria provided, single submitter. Criteria: Invitae Variant Classification Sherloc (09022015). Collection method: clinical testing. Allele origin: germline.
Comment: This sequence change replaces glutamine, which is neutral and polar, with glutamic acid, which is acidic and polar, at codon 310 of the NTHL1 protein (p.Gln310Glu). This variant is not present in population databases (gnomAD no frequency). This variant has not been reported in the literature in individuals affected with NTHL1-related conditions. Algorithms developed to predict the effect of missense changes on protein structure and function are either unavailable or do not agree on the potential impact of this missense change (SIFT: "Not Available"; PolyPhen-2: "Benign"; Align-GVGD: "Not Available"). In summary, the available evidence is currently insufficient to determine the role of this variant in disease. Therefore, it has been classified as a Variant of Uncertain Significance.